The following is an entry in ClinVar:

ClinVar aggregate classification (germline): Uncertain significance (1 of 4 stars; one submission).

Conditions:
Cystic fibrosis (CF). Also called: MUCOVISCIDOSIS. Identifiers: Orphanet 586, MedGen C0010674, MONDO:0009061, OMIM 219700. Disease mechanism: loss of function.

Allele frequency attached by ClinVar (database versions not stated): gnomAD exomes below 0.00001.
gnomAD v4.1: 2 of 1,470,022 alleles (0.00014%); highest among the groups gnomAD compares: East Asian, 0.0023%; no homozygotes.

Submission:

Ambry Genetics
Classification: Uncertain significance for Cystic fibrosis. Last evaluated: 2020-11-19. Review status: criteria provided, single submitter. Criteria: Ambry Variant Classification Scheme 2023. Collection method: clinical testing. Allele origin: germline.
Comment: The p.D373V variant (also known as c.1118A>T), located in coding exon 9 of the CFTR gene, results from an A to T substitution at nucleotide position 1118. The aspartic acid at codon 373 is replaced by valine, an amino acid with highly dissimilar properties. This amino acid position is highly conserved in available vertebrate species. In addition, this alteration is predicted to be deleterious by in silico analysis. Since supporting evidence is limited at this time, the clinical significance of this alteration remains unclear.

NM_000492.4(CFTR):c.1118A>T (p.Asp373Val)

Gene: CFTR (CF transmembrane conductance regulator; plus strand). Cytogenetic location: 7q31.2.
Variant type: single nucleotide variant.
Coding change: c.1118A>T on transcript NM_000492.4 (MANE Select); coding-DNA position 1118, A replaced by T.
Protein change: p.Asp373Val; replaces aspartic acid 373 with valine.
Molecular consequence: missense variant.
Genome position (GRCh38, 1-based): chr7:117,542,017, A>T. VCF-style: chr7-117542017-A-T. GRCh37 (hg19) VCF-style: chr7-117182071-A-T.
Other names: short protein forms D373V.
Identifiers: ClinVar variation 1796752 (VCV001796752.2), dbSNP rs1416245806, ClinGen allele CA368979770.